The following is an entry in ClinVar:

ClinVar aggregate classification (germline): Uncertain significance. Review status: criteria provided, multiple submitters, no conflicts (2 of 4 stars). 3 submissions from 3 submitters: Uncertain significance (2). 1 of the submissions does not count toward it. Last evaluated 2026-09-01.

Conditions:
Congenital myopathy with internal nuclei and atypical cores. Also called: Myopathy, centronuclear, 4. Identifiers: Orphanet 319160, MedGen C4707232, MONDO:0013890, OMIM 614807.

Allele frequency attached by ClinVar (database versions not stated): gnomAD 0.00001; gnomAD exomes 0.00001 and 0.00002; ExAC 0.00002.

Submissions (3):

CeGaT Center for Human Genetics Tuebingen
Classification: Uncertain significance. Last evaluated: 2026-09-01. Review status: criteria provided, single submitter. Criteria: CeGaT Center For Human Genetics Tuebingen Variant Classification Criteria Version 2. Collection method: clinical testing. Allele origin: germline. Affected: yes. Observed: 1 variant allele.

Labcorp Genetics (formerly Invitae), Labcorp
Classification: Uncertain significance for Congenital myopathy with internal nuclei and atypical cores. Last evaluated: 2025-10-07. Review status: criteria provided, single submitter. Criteria: Invitae Variant Classification Sherloc (09022015). Collection method: clinical testing. Allele origin: germline.
Comment: This sequence change creates a premature translational stop signal (p.Gln145*) in the CCDC78 gene. It is expected to result in an absent or disrupted protein product. However, the current clinical and genetic evidence is not sufficient to establish whether loss-of-function variants in CCDC78 cause disease. This variant is present in population databases (rs745710346, gnomAD 0.01%). This variant has not been reported in the literature in individuals affected with CCDC78-related conditions. ClinVar contains an entry for this variant (Variation ID: 643967). Algorithms developed to predict the effect of sequence changes on RNA splicing suggest that this variant may disrupt the consensus splice site. In summary, the available evidence is currently insufficient to determine the role of this variant in disease. Therefore, it has been classified as a Variant of Uncertain Significance.

Hong-Tao Li Lab, Institute of Brain Science and Brain-inspired Research, Shandong First Medical University & Shandong Academy of Medical Sciences China
Classification: Uncertain significance for Congenital myopathy with internal nuclei and atypical cores. Review status: no assertion criteria provided. Collection method: research. Allele origin: germline. Inheritance: Autosomal dominant inheritance. Affected: yes. Observed: 1 variant allele, 1 heterozygote. Not counted in ClinVar's aggregate classification.
Comment: Observed in affected individuals from a Pakistani neurodevelopmental-disorder research cohort of 263 individuals. Classification assigned using the ACMG/AMP framework. Population-frequency evidence: gnomAD AF 1.603e-05.

NM_001378030.1(CCDC78):c.433C>T (p.Gln145Ter)

Gene: CCDC78 (coiled-coil domain containing 78; minus strand). Cytogenetic location: 16p13.3.
Variant type: single nucleotide variant.
Coding change: c.433C>T on transcript NM_001378030.1 (MANE Select); coding-DNA position 433, C replaced by T.
Protein change: p.Gln145Ter; replaces glutamine 145 with a stop codon.
Molecular consequence: nonsense. On other transcripts: non-coding transcript variant (4), intron variant (1).
Genome position (GRCh38, 1-based): chr16:725,415, G>A on the plus strand (C>T on the coding strand, the complement: CCDC78 is on the minus strand). VCF-style: chr16-725415-G-A. GRCh37 (hg19) VCF-style: chr16-775415-G-A.
Other names: c.433C>T, p.Gln145Ter (NM_001031737.3, NM_001378031.1); c.-18-122C>T (NM_001378033.1); short protein forms Q145*.
Identifiers: ClinVar variation 643967 (VCV000643967.8), dbSNP rs745710346, ClinGen allele CA7789622.